The following is an entry in ClinVar:

ClinVar aggregate classification (germline): Pathogenic/Likely pathogenic. Review status: criteria provided, multiple submitters, no conflicts (2 of 4 stars). 2 submissions from 2 submitters: Pathogenic (1); Likely pathogenic (1). Last evaluated 2023-07-17.

Conditions:
Deficiency of steroid 17-alpha-monooxygenase. Also called: ADRENAL HYPERPLASIA V; Congenital adrenal hyperplasia due to 17-alpha-hydroxylase deficiency; Congenital adrenal hyperplasia type 5; 17-ALPHA-HYDROXYLASE DEFICIENCY; 17-alpha-hydroxylase/17,20-lyase deficiency. Identifiers: Orphanet 90793, MedGen C0268285, MONDO:0008730, OMIM 202110.

Submissions (2):

Labcorp Genetics (formerly Invitae), Labcorp
Classification: Pathogenic. Last evaluated: 2023-07-17. Review status: criteria provided, single submitter. Criteria: Invitae Variant Classification Sherloc (09022015). Collection method: clinical testing. Allele origin: germline.
Comment: For these reasons, this variant has been classified as Pathogenic. ClinVar contains an entry for this variant (Variation ID: 2153178). This variant has not been reported in the literature in individuals affected with CYP17A1-related conditions. This variant is present in population databases (no rsID available, gnomAD 0.0009%). This sequence change creates a premature translational stop signal (p.Lys59Asnfs*16) in the CYP17A1 gene. It is expected to result in an absent or disrupted protein product. Loss-of-function variants in CYP17A1 are known to be pathogenic (PMID: 10720067, 14747197, 17192295, 20197673, 24140098).

Baylor Genetics
Classification: Likely pathogenic for Deficiency of steroid 17-alpha-monooxygenase. Last evaluated: 2023-01-25. Review status: criteria provided, single submitter. Criteria: ACMG Guidelines, 2015. Collection method: clinical testing. Allele origin: unknown.

Literature cited by the submitters: PubMed 10720067 (cited by Labcorp Genetics (formerly Invitae), Labcorp); PubMed 14747197 (cited by Labcorp Genetics (formerly Invitae), Labcorp); PubMed 17192295 (cited by Labcorp Genetics (formerly Invitae), Labcorp); PubMed 20197673 (cited by Labcorp Genetics (formerly Invitae), Labcorp); PubMed 24140098 (cited by Labcorp Genetics (formerly Invitae), Labcorp).

NM_000102.4(CYP17A1):c.177del (p.Lys59fs)

Gene: CYP17A1 (cytochrome P450 family 17 subfamily A member 1; minus strand). Cytogenetic location: 10q24.32.
Variant type: Deletion.
Coding change: c.177del on transcript NM_000102.4 (MANE Select); coding-DNA position 177, one base deleted (A; older notation c.177delA).
Protein change: p.Lys59fs; shifts the reading frame from lysine 59.
Molecular consequence: frameshift variant.
Genome position (GRCh38, 1-based): chr10:102,837,185, T deleted on the plus strand (A on the coding strand, the reverse complement: CYP17A1 is on the minus strand); the first of 6 consecutive T bases (chr10:102,837,185-102,837,190); deleting any one gives the same sequence. VCF-style (leftmost placement, unchanged base first): chr10-102837184-AT-A. GRCh37 (hg19) VCF-style: chr10-104596941-AT-A.
Other names: short protein forms K59fs.
Identifiers: ClinVar variation 2153178 (VCV002153178.5), dbSNP rs1402132413, ClinGen allele CA471495555.